The following is an entry in ClinVar:

NM_003280.3(TNNC1):c.471G>C (p.Met157Ile)

Gene: TNNC1 (troponin C1, slow skeletal and cardiac type; minus strand). Cytogenetic location: 3p21.1.
Variant type: single nucleotide variant.
Coding change: c.471G>C on transcript NM_003280.3 (MANE Select); coding-DNA position 471, G replaced by C.
Protein change: p.Met157Ile; replaces methionine 157 with isoleucine.
Molecular consequence: missense variant.
Genome position (GRCh38, 1-based): chr3:52,451,290, C>G on the plus strand (G>C on the coding strand, the complement: TNNC1 is on the minus strand). VCF-style: chr3-52451290-C-G. GRCh37 (hg19) VCF-style: chr3-52485306-C-G.
Other names: short protein forms M157I.
Identifiers: ClinVar variation 3760370 (VCV003760370.3).

ClinVar aggregate classification (germline): Uncertain significance. Review status: criteria provided, multiple submitters, no conflicts (2 of 4 stars). 2 submissions from 2 submitters: Uncertain significance (2). Last evaluated 2026-05-20.

Conditions:
Cardiovascular phenotype. Identifiers: MedGen CN230736.
Hypertrophic cardiomyopathy 13. Also called: TNNC1-Related Familial Hypertrophic Cardiomyopathy. Identifiers: MedGen C2750472, MONDO:0013195, OMIM 613243.
Dilated cardiomyopathy 1Z (CMD1Z). Identifiers: Orphanet 154, MedGen C2678475, MONDO:0012745, OMIM 611879.

Submissions (2):

Ambry Genetics
Classification: Uncertain significance for Cardiovascular phenotype. Last evaluated: 2026-05-20. Review status: criteria provided, single submitter. Criteria: Ambry Variant Classification Scheme 2023. Collection method: clinical testing. Allele origin: germline.
Comment: The p.M157I variant (also known as c.471G>C), located in coding exon 6 of the TNNC1 gene, results from a G to C substitution at nucleotide position 471. The methionine at codon 157 is replaced by isoleucine, an amino acid with highly similar properties. This amino acid position is conserved. In addition, the in silico prediction for this alteration is inconclusive. Based on the available evidence, the clinical significance of this variant remains unclear.

Labcorp Genetics (formerly Invitae), Labcorp
Classification: Uncertain significance for Hypertrophic cardiomyopathy 13; Dilated cardiomyopathy 1Z. Last evaluated: 2025-01-27. Review status: criteria provided, single submitter. Criteria: Invitae Variant Classification Sherloc (09022015). Collection method: clinical testing. Allele origin: germline.
Comment: This sequence change replaces methionine, which is neutral and non-polar, with isoleucine, which is neutral and non-polar, at codon 157 of the TNNC1 protein (p.Met157Ile). This variant is not present in population databases (gnomAD no frequency). This variant has not been reported in the literature in individuals affected with TNNC1-related conditions. An algorithm developed to predict the effect of missense changes on protein structure and function (PolyPhen-2) suggests that this variant is likely to be disruptive. In summary, the available evidence is currently insufficient to determine the role of this variant in disease. Therefore, it has been classified as a Variant of Uncertain Significance.